The following is an entry in ClinVar:

NM_004260.4(RECQL4):c.2519T>A (p.Leu840Gln)

Gene: RECQL4 (RecQ like helicase 4; minus strand). Cytogenetic location: 8q24.3.
Variant type: single nucleotide variant.
Coding change: c.2519T>A on transcript NM_004260.4 (MANE Select); coding-DNA position 2519, T replaced by A.
Protein change: p.Leu840Gln; replaces leucine 840 with glutamine.
Molecular consequence: missense variant.
Genome position (GRCh38, 1-based): chr8:144,513,083, A>T on the plus strand (T>A on the coding strand, the complement: RECQL4 is on the minus strand). VCF-style: chr8-144513083-A-T. GRCh37 (hg19) VCF-style: chr8-145738466-A-T.
Other names: short protein forms L840Q.
Identifiers: ClinVar variation 841680 (VCV000841680.6), dbSNP rs773904395, ClinGen allele CA372677212.

ClinVar aggregate classification (germline): Uncertain significance (1 of 4 stars; one submission).

Conditions:
Baller-Gerold syndrome (BGS). Also called: CRANIOSYNOSTOSIS WITH RADIAL DEFECTS. Identifiers: Orphanet 1225, MedGen C0265308, MONDO:0009039, OMIM 218600.

Submission:

Labcorp Genetics (formerly Invitae), Labcorp
Classification: Uncertain significance for Baller-Gerold syndrome. Last evaluated: 2025-10-01. Review status: criteria provided, single submitter. Criteria: Invitae Variant Classification Sherloc (09022015). Collection method: clinical testing. Allele origin: germline.
Comment: This sequence change replaces leucine, which is neutral and non-polar, with glutamine, which is neutral and polar, at codon 840 of the RECQL4 protein (p.Leu840Gln). This variant is not present in population databases (gnomAD no frequency). This variant has not been reported in the literature in individuals affected with RECQL4-related conditions. ClinVar contains an entry for this variant (Variation ID: 841680). Invitae Evidence Modeling of protein sequence and biophysical properties (such as structural, functional, and spatial information, amino acid conservation, physicochemical variation, residue mobility, and thermodynamic stability) indicates that this missense variant is expected to disrupt RECQL4 protein function with a positive predictive value of 80%. In summary, the available evidence is currently insufficient to determine the role of this variant in disease. Therefore, it has been classified as a Variant of Uncertain Significance.